The following is an entry in ClinVar:

NM_019844.4(SLCO1B3):c.1809C>G (p.Ser603=)

Genes: SLCO1B3 (solute carrier organic anion transporter family member 1B3; plus strand), SLCO1B3-SLCO1B7 (SLCO1B3-SLCO1B7 readthrough; plus strand). Cytogenetic location: 12p12.2.
Variant type: single nucleotide variant.
Coding change: c.1809C>G on transcript NM_019844.4 (MANE Select); coding-DNA position 1809, C replaced by G.
Protein change: p.Ser603=; no amino-acid change (serine 603 retained).
Molecular consequence: synonymous variant.
Genome position (GRCh38, 1-based): chr12:20,901,411, C>G. VCF-style: chr12-20901411-C-G. GRCh37 (hg19) VCF-style: chr12-21054345-C-G.
Other names: c.1809C>G, p.Ser603= (NM_001371097.1); c.1725C>G, p.Ser575= (NM_001349920.2).
Identifiers: ClinVar variation 3050106 (VCV003050106.3), dbSNP rs137912239, ClinGen allele CA6475716.

ClinVar aggregate classification (germline): Likely benign. Review status: criteria provided, single submitter (1 of 4 stars). 2 submissions from 2 submitters: Likely benign (1). 1 of the submissions does not count toward it. Last evaluated 2025-04-15.

Conditions:
SLCO1B3-related disorder. Also called: SLCO1B3-related condition.
Rotor syndrome (HBLRR). Also called: HYPERBILIRUBINEMIA, ROTOR TYPE, DIGENIC; HYPERBILIRUBINEMIA, ROTOR TYPE. Identifiers: Orphanet 3111, MedGen C0220991, MONDO:0009379, OMIM 237450.

Allele frequency attached by ClinVar (database versions not stated): ESP Exome Variant Server 0.00008; gnomAD exomes 0.00012; gnomAD 0.00013; ExAC 0.00014; 1000 Genomes Project 30x 0.00016; 1000 Genomes Project 0.00020; TOPMed 0.00032.
gnomAD v4.1: 198 of 1,585,280 alleles (0.012%); highest among the groups gnomAD compares: Admixed American, 0.064%; no homozygotes.

Submissions (2):

ARUP Laboratories, Molecular Genetics and Genomics, ARUP Laboratories
Classification: Likely benign for Rotor syndrome. Last evaluated: 2025-04-15. Review status: criteria provided, single submitter. Criteria: ARUP Molecular Germline Variant Investigation Process 2024. Collection method: clinical testing. Allele origin: germline.

PreventionGenetics, part of Exact Sciences
Classification: Likely benign for SLCO1B3-related condition. Last evaluated: 2021-03-29. Review status: no assertion criteria provided. Collection method: clinical testing. Allele origin: germline. Not counted in ClinVar's aggregate classification.
Comment: This variant is classified as likely benign based on ACMG/AMP sequence variant interpretation guidelines (Richards et al. 2015 PMID: 25741868, with internal and published modifications).